The following is an entry in ClinVar:

NM_002691.4(POLD1):c.2552T>G (p.Leu851Arg)

Gene: POLD1 (DNA polymerase delta 1, catalytic subunit; plus strand). Cytogenetic location: 19q13.33.
Variant type: single nucleotide variant.
Coding change: c.2552T>G on transcript NM_002691.4 (MANE Select); coding-DNA position 2552, T replaced by G.
Protein change: p.Leu851Arg; replaces leucine 851 with arginine.
Molecular consequence: missense variant. On other transcripts: non-coding transcript variant (1).
Genome position (GRCh38, 1-based): chr19:50,414,978, T>G. VCF-style: chr19-50414978-T-G. GRCh37 (hg19) VCF-style: chr19-50918235-T-G.
Other names: c.2552T>G, p.Leu851Arg (NM_001256849.1); c.2630T>G, p.Leu877Arg (NM_001308632.1); short protein forms L851R, L877R.
Identifiers: ClinVar variation 1504104 (VCV001504104.8), dbSNP rs1555792892, ClinGen allele CA406985231.

ClinVar aggregate classification (germline): Uncertain significance (1 of 4 stars; one submission).

Conditions:
POLD1-related polyposis and colorectal cancer syndrome (CRCS10). Also called: Colorectal cancer 10; COLORECTAL CANCER, SUSCEPTIBILITY TO, ON CHROMOSOME 19q; Colorectal cancer, susceptibility to, 10. Identifiers: Orphanet 220460, MedGen C2675481, MONDO:0012953, OMIM 612591.

Submission:

Labcorp Genetics (formerly Invitae), Labcorp
Classification: Uncertain significance for POLD1-related polyposis and colorectal cancer syndrome. Last evaluated: 2021-07-08. Review status: criteria provided, single submitter. Criteria: Invitae Variant Classification Sherloc (09022015). Collection method: clinical testing. Allele origin: germline.
Comment: This sequence change replaces leucine with arginine at codon 851 of the POLD1 protein (p.Leu851Arg). The leucine residue is weakly conserved and there is a moderate physicochemical difference between leucine and arginine. This variant is not present in population databases (ExAC no frequency). This variant has not been reported in the literature in individuals affected with POLD1-related conditions. Algorithms developed to predict the effect of missense changes on protein structure and function are either unavailable or do not agree on the potential impact of this missense change (SIFT: "Deleterious"; PolyPhen-2: "Probably Damaging"; Align-GVGD: "Class C0"). In summary, the available evidence is currently insufficient to determine the role of this variant in disease. Therefore, it has been classified as a Variant of Uncertain Significance.